The following is an entry in ClinVar:

ClinVar aggregate classification (germline): Uncertain significance (1 of 4 stars; one submission).

gnomAD v4.1: 2 of 1,613,992 alleles (0.00012%); highest among the groups gnomAD compares: African/African-American, 0.0013%; no homozygotes.

Submission:

GeneDx
Classification: Uncertain significance. Last evaluated: 2024-07-30. Review status: criteria provided, single submitter. Criteria: GeneDx Variant Classification Process June 2021. Collection method: clinical testing. Allele origin: germline. Affected: yes.
Comment: Not observed at significant frequency in large population cohorts (gnomAD); In silico analysis indicates that this missense variant does not alter protein structure/function; Has not been previously published as pathogenic or benign to our knowledge

NM_002972.4(SBF1):c.3092C>T (p.Ala1031Val)

Gene: SBF1 (SET binding factor 1; minus strand). Cytogenetic location: 22q13.33.
Variant type: single nucleotide variant.
Coding change: c.3092C>T on transcript NM_002972.4 (MANE Select); coding-DNA position 3092, C replaced by T.
Protein change: p.Ala1031Val; replaces alanine 1031 with valine.
Molecular consequence: missense variant.
Genome position (GRCh38, 1-based): chr22:50,460,588, G>A on the plus strand (C>T on the coding strand, the complement: SBF1 is on the minus strand). VCF-style: chr22-50460588-G-A. GRCh37 (hg19) VCF-style: chr22-50899017-G-A.
Other names: c.3095C>T, p.Ala1032Val (NM_001365819.1, NM_001410794.1); c.3092C>T, p.Ala1031Val (NM_001410795.1); short protein forms A1031V, A1032V.
Identifiers: ClinVar variation 3602467 (VCV003602467.1).